The following is an entry in ClinVar:

NM_207361.6(FREM2):c.7002_7005del (p.Glu2335fs)

Gene: FREM2 (FRAS1 related extracellular matrix 2; plus strand). Cytogenetic location: 13q13.3.
Variant type: Microsatellite.
Coding change: c.7002_7005del on transcript NM_207361.6 (MANE Select); coding-DNA positions 7002 to 7005, 4 bases deleted (AGAG; older notation c.7002_7005delAGAG).
Protein change: p.Glu2335fs; shifts the reading frame from glutamic acid 2335.
Molecular consequence: frameshift variant.
Genome position (GRCh38, 1-based): chr13:38,856,202-38,856,205, AGAG deleted; deleting any 4 consecutive bases within chr13:38,856,199-38,856,205 gives the same sequence; the c. name uses the placement nearest the transcript's 3' end. VCF-style (leftmost placement, unchanged base first): chr13-38856198-TGAGA-T. GRCh37 (hg19) VCF-style: chr13-39430335-TGAGA-T.
Other names: short protein forms E2335fs.
Identifiers: ClinVar variation 591936 (VCV000591936.4), dbSNP rs768342700, ClinGen allele CA6955741.

ClinVar aggregate classification (germline): Pathogenic. Review status: criteria provided, single submitter (1 of 4 stars). 2 submissions from 2 submitters: Pathogenic (1). 1 of the submissions does not count toward it. Last evaluated 2023-07-21.

Submissions (2):

Labcorp Genetics (formerly Invitae), Labcorp
Classification: Pathogenic. Last evaluated: 2023-07-21. Review status: criteria provided, single submitter. Criteria: Invitae Variant Classification Sherloc (09022015). Collection method: clinical testing. Allele origin: germline.
Comment: This variant is present in population databases (rs768342700, gnomAD 0.007%). This sequence change creates a premature translational stop signal (p.Glu2335Profs*6) in the FREM2 gene. It is expected to result in an absent or disrupted protein product. Loss-of-function variants in FREM2 are known to be pathogenic (PMID: 18203166, 26552811). This variant has not been reported in the literature in individuals affected with FREM2-related conditions. For these reasons, this variant has been classified as Pathogenic.

Gharavi Laboratory, Columbia University
Classification: Uncertain significance. Last evaluated: 2018-09-16. Review status: no assertion criteria provided. Criteria: ACMG Guidelines, 2015. Collection method: research. Allele origin: germline. Affected: yes. Not counted in ClinVar's aggregate classification.

Literature cited by the submitters: PubMed 18203166 (cited by Labcorp Genetics (formerly Invitae), Labcorp); PubMed 26552811 (cited by Labcorp Genetics (formerly Invitae), Labcorp).